The following is an entry in ClinVar:

NM_002834.5(PTPN11):c.184T>C (p.Tyr62His)

Gene: PTPN11 (protein tyrosine phosphatase non-receptor type 11; plus strand). Cytogenetic location: 12q24.13.
Variant type: single nucleotide variant.
Coding change: c.184T>C on transcript NM_002834.5 (MANE Select); coding-DNA position 184, T replaced by C.
Protein change: p.Tyr62His; replaces tyrosine 62 with histidine.
Molecular consequence: missense variant.
Genome position (GRCh38, 1-based): chr12:112,450,364, T>C. VCF-style: chr12-112450364-T-C. GRCh37 (hg19) VCF-style: chr12-112888168-T-C.
Other names: c.184T>C, p.Tyr62His (NM_001330437.2, NM_080601.3); c.181T>C, p.Tyr61His (NM_001374625.1); short protein forms Y61H, Y62H.
Identifiers: ClinVar variation 3337999 (VCV003337999.2).

ClinVar aggregate classification (germline): Likely pathogenic (1 of 4 stars; one submission).

Conditions:
Noonan syndrome (NS). Also called: Noonan's syndrome. Identifiers: Orphanet 648, MedGen C0028326, MeSH D009634, MONDO:0018997. Disease mechanism: gain of function.

gnomAD v4.1: 1 of 1,613,274 alleles (0.000062%); highest among the groups gnomAD compares: Non-Finnish European, 0.000085%; no homozygotes.

Submission:

Laboratory of Otorhinolaryngology, Head and Neck Surgery, Inje University Ilsan Paik Hospital
Classification: Likely pathogenic for Noonan syndrome. Last evaluated: 2024-03-30. Review status: criteria provided, single submitter. Criteria: ACMG Guidelines, 2015. Collection method: clinical testing. Allele origin: germline. Affected: yes.
Comment: The c.184T>C variant is a missense variant in PTPN11 and has not been reported with suspected or confirmed Noonan syndrome in a population databases (gnomAD no frequency). This gain-of-function variant is expected to result in an disrupted protein product, and classified as likely pathogenic for Noonan syndrome based on the ACMG/AMP criteria.